The following is an entry in ClinVar:

ClinVar aggregate classification (germline): Uncertain significance (1 of 4 stars; one submission).

Conditions:
MEGF10-related myopathy (CMYO10A). Also called: Congenital myopathy 10A, severe variant. Identifiers: Orphanet 439212, MedGen C3280679, MONDO:0013731, OMIM 614399.

Allele frequency attached by ClinVar (database versions not stated): gnomAD exomes 0.00001 and 0.00003; TOPMed 0.00002; ExAC 0.00003.
gnomAD v4.1: 8 of 1,614,112 alleles (0.0005%); highest among the groups gnomAD compares: Admixed American, 0.013%; no homozygotes.

Submission:

Labcorp Genetics (formerly Invitae), Labcorp
Classification: Uncertain significance for MEGF10-related myopathy. Last evaluated: 2023-05-23. Review status: criteria provided, single submitter. Criteria: Invitae Variant Classification Sherloc (09022015). Collection method: clinical testing. Allele origin: germline.
Comment: This sequence change replaces alanine, which is neutral and non-polar, with valine, which is neutral and non-polar, at codon 860 of the MEGF10 protein (p.Ala860Val). This variant is present in population databases (rs777294451, gnomAD 0.02%). This variant has not been reported in the literature in individuals affected with MEGF10-related conditions. ClinVar contains an entry for this variant (Variation ID: 1431471). Advanced modeling of protein sequence and biophysical properties (such as structural, functional, and spatial information, amino acid conservation, physicochemical variation, residue mobility, and thermodynamic stability) performed at Invitae indicates that this missense variant is not expected to disrupt MEGF10 protein function. In summary, the available evidence is currently insufficient to determine the role of this variant in disease. Therefore, it has been classified as a Variant of Uncertain Significance.

NM_001256545.2(MEGF10):c.2579C>T (p.Ala860Val)

Gene: MEGF10 (multiple EGF like domains 10; plus strand). Cytogenetic location: 5q23.2.
Variant type: single nucleotide variant.
Coding change: c.2579C>T on transcript NM_001256545.2 (MANE Select); coding-DNA position 2579, C replaced by T.
Protein change: p.Ala860Val; replaces alanine 860 with valine.
Molecular consequence: missense variant.
Genome position (GRCh38, 1-based): chr5:127,445,544, C>T. VCF-style: chr5-127445544-C-T. GRCh37 (hg19) VCF-style: chr5-126781236-C-T.
Other names: c.2579C>T, p.Ala860Val (NM_032446.3); short protein forms A860V.
Identifiers: ClinVar variation 1431471 (VCV001431471.8), dbSNP rs777294451, ClinGen allele CA3391974.